The following is an entry in ClinVar:

ClinVar aggregate classification (germline): Uncertain significance (1 of 4 stars; one submission).

Submission:

Ambry Genetics
Classification: Uncertain significance. Last evaluated: 2026-07-21. Review status: criteria provided, single submitter. Criteria: Ambry Variant Classification Scheme 2023. Collection method: clinical testing. Allele origin: germline.
Comment: The p.P604H variant (also known as c.1811C>A), located in coding exon 2 of the CDK12 gene, results from a C to A substitution at nucleotide position 1811. The proline at codon 604 is replaced by histidine, an amino acid with similar properties. This amino acid position is conserved. In addition, this alteration is predicted to be tolerated by in silico analysis. Based on the available evidence, the clinical significance of this variant remains unclear.

NM_016507.4(CDK12):c.1811C>A (p.Pro604His)

Gene: CDK12 (cyclin dependent kinase 12; plus strand). Cytogenetic location: 17q12.
Variant type: single nucleotide variant.
Coding change: c.1811C>A on transcript NM_016507.4 (MANE Select); coding-DNA position 1811, C replaced by A.
Protein change: p.Pro604His; replaces proline 604 with histidine.
Molecular consequence: missense variant.
Genome position (GRCh38, 1-based): chr17:39,471,643, C>A. VCF-style: chr17-39471643-C-A. GRCh37 (hg19) VCF-style: chr17-37627896-C-A.
Other names: c.1811C>A, p.Pro604His (NM_015083.4); short protein forms P604H.
Identifiers: ClinVar variation 5034107 (VCV005034107.1).